The following is an entry in ClinVar:

NM_000059.4(BRCA2):c.4800T>G (p.Asn1600Lys)

Gene: BRCA2 (BRCA2 DNA repair associated; plus strand). Cytogenetic location: 13q13.1.
Variant type: single nucleotide variant.
Coding change: c.4800T>G on transcript NM_000059.4 (MANE Select); coding-DNA position 4800, T replaced by G.
Protein change: p.Asn1600Lys; replaces asparagine 1600 with lysine.
Molecular consequence: missense variant.
Genome position (GRCh38, 1-based): chr13:32,339,155, T>G. VCF-style: chr13-32339155-T-G. GRCh37 (hg19) VCF-style: chr13-32913292-T-G.
Other names: short protein forms N1600K.
Identifiers: ClinVar variation 863355 (VCV000863355.11), dbSNP rs2072513080, ClinGen allele CA387783256.
Genomic context (GRCh38, chr13:32,339,155, plus strand): 5'-TGAGACCATTGAGATCACAGCTGCCCCAAAGTGTAAAGAAATGCAGAATTCTCTCAATAA[T>G]GATAAAAACCTTGTTTCTATTGAGACTGTGGTGCCACCTAAGCTCTTAAGTGATAATTTA-3'
Protein context (NP_000050.3, residues 1590-1610): KCKEMQNSLN[Asn1600Lys]DKNLVSIETV

ClinVar aggregate classification (germline): Conflicting classifications of pathogenicity. Review status: criteria provided, conflicting classifications (1 of 4 stars). 2 submissions from 2 submitters: Uncertain significance (1); Likely benign (1). Last evaluated 2023-03-23.

Conditions:
Hereditary cancer-predisposing syndrome. Also called: Hereditary Cancer Syndrome; Tumor predisposition; Neoplastic Syndromes, Hereditary; Hereditary neoplastic syndrome. Identifiers: Orphanet 140162, MedGen C0027672, MeSH D009386, MONDO:0015356.
Hereditary breast ovarian cancer syndrome. Also called: Hereditary breast and ovarian cancer syndrome; Hereditary breast and/or ovarian cancer syndrome; Hereditary breast and ovarian cancer syndrome (HBOC); Breast and ovarian cancer; Hereditary breast and ovarian cancer; BRCA1- and BRCA2-Associated Hereditary Breast and Ovarian Cancer. Identifiers: Orphanet 145, MedGen C0677776, MeSH D061325, MONDO:0003582. Disease mechanism: loss of function.

Submissions (2):

University of Washington Department of Laboratory Medicine, University of Washington
Classification: Likely benign for Hereditary cancer-predisposing syndrome. Last evaluated: 2023-03-23. Review status: criteria provided, single submitter. Criteria: Dines et al. (Genet Med. 2020). Collection method: curation. Allele origin: germline.
Comment: Missense variant in a coldspot region where missense variants are very unlikely to be pathogenic (PMID:31911673).

BRCA2 exon 11 coldspot. Reclassification based on statistical prior probability.

Labcorp Genetics (formerly Invitae), Labcorp
Classification: Uncertain significance for Hereditary breast ovarian cancer syndrome. Last evaluated: 2019-01-28. Review status: criteria provided, single submitter. Criteria: Invitae Variant Classification Sherloc (09022015). Collection method: clinical testing. Allele origin: germline.
Comment: Algorithms developed to predict the effect of missense changes on protein structure and function output the following: SIFT: "Tolerated"; PolyPhen-2: "Benign"; Align-GVGD: "Class C0". The lysine amino acid residue is found in multiple mammalian species, suggesting that this missense change does not adversely affect protein function. These predictions have not been confirmed by published functional studies and their clinical significance is uncertain. This variant has not been reported in the literature in individuals with BRCA2-related conditions. This variant is not present in population databases (ExAC no frequency). This sequence change replaces asparagine with lysine at codon 1600 of the BRCA2 protein (p.Asn1600Lys). The asparagine residue is weakly conserved and there is a moderate physicochemical difference between asparagine and lysine. In summary, the available evidence is currently insufficient to determine the role of this variant in disease. Therefore, it has been classified as a Variant of Uncertain Significance. Algorithms developed to predict the effect of sequence changes on RNA splicing suggest that this variant may create or strengthen a splice site, but this prediction has not been confirmed by published transcriptional studies.